The following is an entry in ClinVar:

NM_006563.5(KLF1):c.1079G>A (p.Arg360His)

Gene: KLF1 (KLF transcription factor 1; minus strand). Cytogenetic location: 19p13.13.
Variant type: single nucleotide variant.
Coding change: c.1079G>A on transcript NM_006563.5 (MANE Select); coding-DNA position 1079, G replaced by A.
Protein change: p.Arg360His; replaces arginine 360 with histidine.
Molecular consequence: missense variant.
Genome position (GRCh38, 1-based): chr19:12,884,895, C>T on the plus strand (G>A on the coding strand, the complement: KLF1 is on the minus strand). VCF-style: chr19-12884895-C-T. GRCh37 (hg19) VCF-style: chr19-12995709-C-T.
Other names: p.Arg360His; short protein forms R360H.
Identifiers: ClinVar variation 931601 (VCV000931601.7), dbSNP rs745810050, ClinGen allele CA9233934.
Genomic context (GRCh38, chr19:12,884,895, plus strand): 5'-TTCTTGTCCCATCCCCAGTCACTAGGAGAGTCCAAGTGCCAGGGCAGGGCTCAAAGGTGG[C>T]GCTTCATGTGCAAGGCCAGGTGGTCAGAGCGCGAAAAAGCACGTGGGCAGAGCTGGCAGC-3'
Protein context (NP_006554.1, residues 350-362): RSDHLALHMK[Arg360His]HL

ClinVar aggregate classification (germline): Uncertain significance. Review status: criteria provided, multiple submitters, no conflicts (2 of 4 stars). 5 submissions from 5 submitters: Uncertain significance (5). Last evaluated 2025-12-23.

Conditions:
Anemia, congenital dyserythropoietic, type IVa. Also called: Congenital dyserythropoietic anemia type 4; CDA, TYPE IVa; Congenital dyserythropoietic anemia, type IV. Identifiers: Orphanet 293825, MedGen C3150926, MONDO:0013355, OMIM 613673.
BLOOD GROUP--LUTHERAN INHIBITOR (INLU). Also called: DOMINANT LU (a-b-) PHENOTYPE. Identifiers: MedGen C1292231, OMIM 111150.

Allele frequency attached by ClinVar (database versions not stated): gnomAD exomes 0.00004 and 0.00002; gnomAD 0.00001; TOPMed 0.00003; ExAC 0.00003.
gnomAD v4.1: 27 of 1,613,762 alleles (0.0017%); highest among the groups gnomAD compares: Middle Eastern, 0.033%; no homozygotes.

Submissions (5):

Labcorp Genetics (formerly Invitae), Labcorp
Classification: Uncertain significance. Last evaluated: 2025-12-23. Review status: criteria provided, single submitter. Criteria: Invitae Variant Classification Sherloc (09022015). Collection method: clinical testing. Allele origin: germline.
Comment: This sequence change replaces arginine, which is basic and polar, with histidine, which is basic and polar, at codon 360 of the KLF1 protein (p.Arg360His). This variant is present in population databases (rs745810050, gnomAD 0.02%). This missense change has been observed in individual(s) with non-transfusion dependent thalassemia (PMID: 27821015). ClinVar contains an entry for this variant (Variation ID: 931601). Invitae Evidence Modeling of protein sequence and biophysical properties (such as structural, functional, and spatial information, amino acid conservation, physicochemical variation, residue mobility, and thermodynamic stability) indicates that this missense variant is expected to disrupt KLF1 protein function with a positive predictive value of 80%. In summary, the available evidence is currently insufficient to determine the role of this variant in disease. Therefore, it has been classified as a Variant of Uncertain Significance.

Mayo Clinic Laboratories, Mayo Clinic
Classification: Uncertain significance. Last evaluated: 2025-02-11. Review status: criteria provided, single submitter. Criteria: ACMG Guidelines, 2015. Collection method: clinical testing. Allele origin: germline. Observed: 1 variant allele.
Comment: PM2_supporting

GeneDx
Classification: Uncertain significance. Last evaluated: 2023-12-23. Review status: criteria provided, single submitter. Criteria: GeneDx Variant Classification Process June 2021. Collection method: clinical testing. Allele origin: germline. Affected: yes.
Comment: Reported in a child also with compound heterozygous HBB variants and mild presentation of beta thalassemia with elevated fetal hemoglobin (PMID: 27821015); In silico analysis supports that this missense variant has a deleterious effect on protein structure/function; This variant is associated with the following publications: (PMID: 34426522, 27821015)

Department of Pathology and Laboratory Medicine, Sinai Health System
Classification: Uncertain significance for Anemia, congenital dyserythropoietic, type IVa. Last evaluated: 2021-07-30. Review status: criteria provided, single submitter. Criteria: ACMG Guidelines, 2015. Collection method: research. Allele origin: germline.

Centre for Mendelian Genomics, University Medical Centre Ljubljana
Classification: Uncertain significance for BLOOD GROUP--LUTHERAN INHIBITOR. Last evaluated: 2019-05-20. Review status: criteria provided, single submitter. Criteria: ACMG Guidelines, 2015. Collection method: clinical testing. Allele origin: unknown. Affected: yes.
Comment: This variant was classified as: Uncertain significance. The available evidence on this variant's pathogenicity is insufficient or conflicting. The following ACMG criteria were applied in classifying this variant: PP3.

Literature cited by the submitters: PubMed 27821015 (cited by Labcorp Genetics (formerly Invitae), Labcorp and Mayo Clinic Laboratories, Mayo Clinic).